The following is an entry in ClinVar:

ClinVar aggregate classification (germline): Uncertain significance (1 of 4 stars; one submission).

Submission:

Labcorp Genetics (formerly Invitae), Labcorp
Classification: Uncertain significance. Last evaluated: 2022-05-05. Review status: criteria provided, single submitter. Criteria: Invitae Variant Classification Sherloc (09022015). Collection method: clinical testing. Allele origin: germline.
Comment: This sequence change replaces aspartic acid, which is acidic and polar, with valine, which is neutral and non-polar, at codon 206 of the CFAP410 protein (p.Asp206Val). This variant is not present in population databases (gnomAD no frequency). This variant has not been reported in the literature in individuals affected with CFAP410-related conditions. Algorithms developed to predict the effect of missense changes on protein structure and function (SIFT, PolyPhen-2, Align-GVGD) all suggest that this variant is likely to be tolerated. In summary, the available evidence is currently insufficient to determine the role of this variant in disease. Therefore, it has been classified as a Variant of Uncertain Significance.

NM_004928.3(CFAP410):c.617A>T (p.Asp206Val)

Gene: CFAP410 (cilia and flagella associated protein 410; minus strand). Cytogenetic location: 21q22.3.
Variant type: single nucleotide variant.
Coding change: c.617A>T on transcript NM_004928.3 (MANE Select); coding-DNA position 617, A replaced by T.
Protein change: p.Asp206Val; replaces aspartic acid 206 with valine.
Molecular consequence: missense variant.
Genome position (GRCh38, 1-based): chr21:44,330,848, T>A on the plus strand (A>T on the coding strand, the complement: CFAP410 is on the minus strand). VCF-style: chr21-44330848-T-A. GRCh37 (hg19) VCF-style: chr21-45750731-T-A.
Other names: c.614A>T, p.Asp205Val (NM_001271440.2, NM_001271441.2); c.491A>T, p.Asp164Val (NM_001271442.1); short protein forms D206V, D164V, D205V.
Identifiers: ClinVar variation 2134071 (VCV002134071.4), dbSNP rs2146057489, ClinGen allele CA410452470.